The following is an entry in ClinVar:

NM_201548.5(CERKL):c.1192C>G (p.Gln398Glu)

Gene: CERKL (CERK like autophagy regulator; minus strand). Cytogenetic location: 2q31.3.
Variant type: single nucleotide variant.
Coding change: c.1192C>G on transcript NM_201548.5 (MANE Select); coding-DNA position 1192, C replaced by G.
Protein change: p.Gln398Glu; replaces glutamine 398 with glutamic acid.
Molecular consequence: missense variant. On other transcripts: non-coding transcript variant (2).
Genome position (GRCh38, 1-based): chr2:181,547,694, G>C on the plus strand (C>G on the coding strand, the complement: CERKL is on the minus strand). VCF-style: chr2-181547694-G-C. GRCh37 (hg19) VCF-style: chr2-182412421-G-C.
Other names: c.1270C>G, p.Gln424Glu (NM_001030311.3); c.853C>G, p.Gln285Glu (NM_001030312.3); c.985C>G, p.Gln329Glu (NM_001030313.3); c.1138C>G, p.Gln380Glu (NM_001160277.2); short protein forms Q285E, Q329E, Q380E, Q398E, Q424E.
Identifiers: ClinVar variation 812037 (VCV000812037.11), dbSNP rs144793035, ClinGen allele CA61582416.
Genomic context (GRCh38, chr2:181,547,694, plus strand): 5'-AGCCTCTAGGTGCCACTGAACACAGGCAAGGAATTGCCATAATGCTGACATTCAAGAACT[G>C]ACCCTGGATCATTTGCCATTGATCATTACAGTCTAAAGGTAATGAAAGTGATTGGTTATT-3'
Protein context (NP_963842.1, residues 388-408): CNDQWQMIQG[Gln398Glu]FLNVSIMAIP

ClinVar aggregate classification (germline): Uncertain significance. Review status: criteria provided, multiple submitters, no conflicts (2 of 4 stars). 3 submissions from 3 submitters: Uncertain significance (2). 1 of the submissions does not count toward it. Last evaluated 2023-09-12.

Conditions:
Retinitis pigmentosa 26 (RP26). Identifiers: Orphanet 791, MedGen C1842127, MONDO:0012024, OMIM 608380.

Allele frequency attached by ClinVar (database versions not stated): gnomAD 0.00001; gnomAD exomes 0.00001; TOPMed 0.00001; ESP Exome Variant Server 0.00008.
gnomAD v4.1: 6 of 1,613,900 alleles (0.00037%); highest among the groups gnomAD compares: Non-Finnish European, 0.00042%; no homozygotes.

Submissions (3):

Blueprint Genetics
Classification: Uncertain significance. Last evaluated: 2023-09-12. Review status: criteria provided, single submitter. Criteria: ACMG Guidelines, 2015. Collection method: clinical testing. Allele origin: germline.

ARUP Laboratories, Molecular Genetics and Genomics, ARUP Laboratories
Classification: Uncertain significance for Retinitis pigmentosa 26. Last evaluated: 2019-06-05. Review status: criteria provided, single submitter. Criteria: ARUP Molecular Germline Variant Investigation Process. Collection method: clinical testing. Allele origin: germline.
Comment: The CERKL c.1270C>G; p.Gln424Glu variant (rs144793035), to our knowledge, is not reported in the medical literature or gene specific databases. This variant is found in the general population with an overall allele frequency of 0.0008133% (2/245918 alleles) in the Genome Aggregation Database. The amino acid at this codon is moderately conserved, but computational analyses (SIFT, PolyPhen-2) predict that this variant is tolerated. Due to limited information, the clinical significance of the variant is uncertain at this time.

Natera, Inc.
Classification: Uncertain significance for Retinitis pigmentosa type 26. Last evaluated: 2020-09-16. Review status: no assertion criteria provided. Collection method: clinical testing. Allele origin: germline. Not counted in ClinVar's aggregate classification.